The following is an entry in ClinVar:

ClinVar aggregate classification (germline): Pathogenic (1 of 4 stars; one submission).

Submission:

GeneDx
Classification: Pathogenic. Last evaluated: 2025-03-18. Review status: criteria provided, single submitter. Criteria: GeneDx Variant Classification Process June 2021. Collection method: clinical testing. Allele origin: germline. Affected: yes.
Comment: Frameshift variant predicted to result in protein truncation or nonsense mediated decay in a gene for which loss of function is a known mechanism of disease; Has not been previously published as pathogenic or benign to our knowledge

NM_001353345.2(SETD1B):c.23del (p.His8fs)

Gene: SETD1B (SET domain containing 1B, histone lysine methyltransferase; plus strand). Cytogenetic location: 12q24.31.
Variant type: Deletion.
Coding change: c.23del on transcript NM_001353345.2 (MANE Select); coding-DNA position 23, one base deleted (A; older notation c.23delA).
Protein change: p.His8fs; shifts the reading frame from histidine 8.
Molecular consequence: frameshift variant.
Genome position (GRCh38, 1-based): chr12:121,804,760, A deleted. VCF-style (leftmost placement, unchanged base first): chr12-121804759-CA-C. GRCh37 (hg19) VCF-style: chr12-122242665-CA-C.
Other names: short protein forms H8fs.
Identifiers: ClinVar variation 4086484 (VCV004086484.1).
Genomic context (GRCh38, chr12:121,804,759, plus strand): 5'-ACGACAACAACTTGCTGGTTTTCAGGTTGGGTTAACGGCATGGAGAACAGTCACCCCCCC[CA>C]CCACCACCACCAGCAGCCCCCGCCGCAGCCCGGCCCTTCGGGCGAGAGGAGGAACCACCA-3'